The following is an entry in ClinVar:

ClinVar aggregate classification (germline): Pathogenic/Likely pathogenic. Review status: criteria provided, multiple submitters, no conflicts (2 of 4 stars). 2 submissions from 2 submitters: Pathogenic (1); Likely pathogenic (1). Last evaluated 2025-06-04.

Conditions:
Mucopolysaccharidosis type 1. Also called: IDUA deficiency; MPS I; Mucopolysaccharidosis Type I. Identifiers: Orphanet 579, MedGen C0023786, MONDO:0001586.

Submissions (2):

Labcorp Genetics (formerly Invitae), Labcorp
Classification: Pathogenic for Mucopolysaccharidosis type 1. Last evaluated: 2025-06-04. Review status: criteria provided, single submitter. Criteria: Invitae Variant Classification Sherloc (09022015). Collection method: clinical testing. Allele origin: germline.
Comment: This sequence change affects a donor splice site in intron 13 of the IDUA gene. While this variant is not anticipated to result in nonsense mediated decay, it likely alters RNA splicing and results in a disrupted protein product. This variant is not present in population databases (gnomAD no frequency). This variant has not been reported in the literature in individuals affected with IDUA-related conditions. Variants that disrupt the consensus splice site are a relatively common cause of aberrant splicing (PMID: 17576681, 9536098). Algorithms developed to predict the effect of sequence changes on RNA splicing suggest that this variant may disrupt the consensus splice site. This variant disrupts a region of the IDUA protein in which other variant(s) (p.Arg619*) have been determined to be pathogenic (PMID: 11735025, 27146977, 28752568). This suggests that this is a clinically significant region of the protein, and that variants that disrupt it are likely to be disease-causing. For these reasons, this variant has been classified as Pathogenic.

Natera, Inc.
Classification: Likely pathogenic for Mucopolysaccharidosis type I. Last evaluated: 2024-12-15. Review status: criteria provided, single submitter. Criteria: Natera Variant Classification Schema (03/2026). Collection method: clinical testing. Allele origin: germline.
Comment: The c.1828+1G>A variant in IDUA is a canonical splice donor site variant predicted to affect pre-mRNA splicing, which may result in an abnormal transcript and altered protein product. This variant is expected to result in nonsense mediated decay, truncation, or a dysfunctional protein product. This variant is rare in the general population with a frequency below the threshold expected for the associated phenotype(s). This variant has been observed in one or more individuals affected with the associated recessive disease, as either homozygous or compound heterozygous with a second variant (PMID: 31194252, 29095814). Given the available evidence, this variant is classified as Likely Pathogenic.

Literature cited by the submitters: PubMed 17576681 (cited by Labcorp Genetics (formerly Invitae), Labcorp); PubMed 9536098 (cited by Labcorp Genetics (formerly Invitae), Labcorp); PubMed 11735025 (cited by Labcorp Genetics (formerly Invitae), Labcorp); PubMed 27146977 (cited by Labcorp Genetics (formerly Invitae), Labcorp); PubMed 28752568 (cited by Labcorp Genetics (formerly Invitae), Labcorp); PubMed 31194252 (cited by Natera, Inc.); PubMed 29095814 (cited by Natera, Inc.).

NM_000203.5(IDUA):c.1828+1G>A

Gene: IDUA (alpha-L-iduronidase; plus strand). Cytogenetic location: 4p16.3.
Variant type: single nucleotide variant.
Coding change: c.1828+1G>A on transcript NM_000203.5 (MANE Select); the canonical splice donor site of the intron after coding-DNA position 1828, G replaced by A.
Molecular consequence: splice donor variant.
Genome position (GRCh38, 1-based): chr4:1,004,113, G>A. VCF-style: chr4-1004113-G-A. GRCh37 (hg19) VCF-style: chr4-997901-G-A.
Other names: c.1828+1G>A (NM_000203.4); c.1432+1G>A (NM_001363576.1).
Identifiers: ClinVar variation 4704560 (VCV004704560.2).